The following is an entry in ClinVar:

ClinVar aggregate classification (germline): Uncertain significance. Review status: criteria provided, multiple submitters, no conflicts (2 of 4 stars). 2 submissions from 2 submitters: Uncertain significance (2). Last evaluated 2024-10-23.

Conditions:
Menkes kinky-hair syndrome (MNK). Also called: Copper transport disease; Menkes Disease; Classic Menkes Disease. Identifiers: Orphanet 565, MedGen C0022716, MONDO:0010651, OMIM 309400.
Cutis laxa, X-linked (OHS). Also called: EDS IX; Occipital horn syndrome. Identifiers: Orphanet 198, MedGen C0268353, MONDO:0010572, OMIM 304150.
X-linked distal spinal muscular atrophy type 3. Also called: ATP7A-Related Distal Motor Neuropathy; SPINAL MUSCULAR ATROPHY, DISTAL, X-LINKED RECESSIVE; NEURONOPATHY, DISTAL HEREDITARY MOTOR, X-LINKED; NEUROPATHY, DISTAL HEREDITARY MOTOR, X-LINKED. Identifiers: Orphanet 139557, MedGen C1845359, MONDO:0010338, OMIM 300489.

Submissions (2):

Labcorp Genetics (formerly Invitae), Labcorp
Classification: Uncertain significance for X-linked distal spinal muscular atrophy type 3; Cutis laxa, X-linked; Menkes kinky-hair syndrome. Last evaluated: 2024-10-23. Review status: criteria provided, single submitter. Criteria: Invitae Variant Classification Sherloc (09022015). Collection method: clinical testing. Allele origin: germline.
Comment: This sequence change replaces isoleucine, which is neutral and non-polar, with threonine, which is neutral and polar, at codon 1026 of the ATP7A protein (p.Ile1026Thr). This variant is not present in population databases (gnomAD no frequency). This variant has not been reported in the literature in individuals affected with ATP7A-related conditions. ClinVar contains an entry for this variant (Variation ID: 1307366). Invitae Evidence Modeling of protein sequence and biophysical properties (such as structural, functional, and spatial information, amino acid conservation, physicochemical variation, residue mobility, and thermodynamic stability) has been performed for this missense variant. However, the output from this modeling did not meet the statistical confidence thresholds required to predict the impact of this variant on ATP7A protein function. In summary, the available evidence is currently insufficient to determine the role of this variant in disease. Therefore, it has been classified as a Variant of Uncertain Significance.

GeneDx
Classification: Uncertain significance. Last evaluated: 2019-07-24. Review status: criteria provided, single submitter. Criteria: GeneDx Variant Classification Process June 2021. Collection method: clinical testing. Allele origin: germline. Affected: yes.
Comment: Not observed in large population cohorts (Lek et al., 2016); In silico analysis, which includes protein predictors and evolutionary conservation, supports a deleterious effect; Has not been previously published as pathogenic or benign to our knowledge

NM_000052.7(ATP7A):c.3077T>C (p.Ile1026Thr)

Gene: ATP7A (ATPase copper transporting alpha; plus strand). Cytogenetic location: Xq21.1.
Variant type: single nucleotide variant.
Coding change: c.3077T>C on transcript NM_000052.7 (MANE Select); coding-DNA position 3077, T replaced by C.
Protein change: p.Ile1026Thr; replaces isoleucine 1026 with threonine.
Molecular consequence: missense variant.
Genome position (GRCh38, 1-based): chrX:78,029,410, T>C. VCF-style: chrX-78029410-T-C. GRCh37 (hg19) VCF-style: chrX-77284907-T-C.
Other names: c.2843T>C, p.Ile948Thr (NM_001282224.2); short protein forms I1026T, I948T.
Identifiers: ClinVar variation 1307366 (VCV001307366.4), dbSNP rs2149104943, ClinGen allele CA413603332.
Genomic context (GRCh38, chrX:78,029,410, plus strand): 5'-TGGCCACTCCAACTGCTGTGATGGTGGGTACAGGAGTAGGTGCTCAAAATGGCATACTAA[T>C]AAAAGGTGGAGAGCCATTGGAGATGGCTCATAAGGTAAGACAGTCCCCAGAACTAAAACC-3'
Protein context (NP_000043.4, residues 1016-1036): TGVGAQNGIL[Ile1026Thr]KGGEPLEMAH